The following is an entry in ClinVar:

NM_004369.4(COL6A3):c.6946C>T (p.Pro2316Ser)

Gene: COL6A3 (collagen type VI alpha 3 chain; minus strand). Cytogenetic location: 2q37.3.
Variant type: single nucleotide variant.
Coding change: c.6946C>T on transcript NM_004369.4 (MANE Select); coding-DNA position 6946, C replaced by T.
Protein change: p.Pro2316Ser; replaces proline 2316 with serine.
Molecular consequence: missense variant.
Genome position (GRCh38, 1-based): chr2:237,348,369, G>A on the plus strand (C>T on the coding strand, the complement: COL6A3 is on the minus strand). VCF-style: chr2-237348369-G-A. GRCh37 (hg19) VCF-style: chr2-238257012-G-A.
Other names: c.6946C>T (NM_004369.3); c.5125C>T, p.Pro1709Ser (NM_057166.5); c.6328C>T, p.Pro2110Ser (NM_057167.4); short protein forms P1709S, P2110S, P2316S.
Identifiers: ClinVar variation 1062135 (VCV001062135.11), dbSNP rs1243164167, ClinGen allele CA351208148.

ClinVar aggregate classification (germline): Uncertain significance. Review status: criteria provided, multiple submitters, no conflicts (2 of 4 stars). 2 submissions from 2 submitters: Uncertain significance (2). Last evaluated 2022-12-06.

Conditions:
Bethlem myopathy 1A. Also called: Bethlem Muscular Dystrophy; MYOPATHY, BENIGN CONGENITAL, WITH CONTRACTURES; Bethlem myopathy 1. Identifiers: Orphanet 610, MedGen CN029274, MONDO:0024530, OMIM 158810.

Allele frequency attached by ClinVar (database versions not stated): gnomAD exomes below 0.00001.
gnomAD v4.1: 1 of 1,607,794 alleles (0.000062%); no homozygotes.

Submissions (2):

Labcorp Genetics (formerly Invitae), Labcorp
Classification: Uncertain significance for Bethlem myopathy 1A. Last evaluated: 2022-12-06. Review status: criteria provided, single submitter. Criteria: Invitae Variant Classification Sherloc (09022015). Collection method: clinical testing. Allele origin: germline.
Comment: Advanced modeling of protein sequence and biophysical properties (such as structural, functional, and spatial information, amino acid conservation, physicochemical variation, residue mobility, and thermodynamic stability) performed at Invitae indicates that this missense variant is expected to disrupt COL6A3 protein function. This variant has not been reported in the literature in individuals affected with COL6A3-related conditions. This sequence change replaces proline, which is neutral and non-polar, with serine, which is neutral and polar, at codon 2316 of the COL6A3 protein (p.Pro2316Ser). This variant is present in population databases (no rsID available, gnomAD 0.003%). ClinVar contains an entry for this variant (Variation ID: 1062135). In summary, the available evidence is currently insufficient to determine the role of this variant in disease. Therefore, it has been classified as a Variant of Uncertain Significance.

Revvity Omics, Revvity
Classification: Uncertain significance. Last evaluated: 2021-02-10. Review status: criteria provided, single submitter. Criteria: ACMG Guidelines, 2015. Collection method: clinical testing. Allele origin: germline.